The following is an entry in ClinVar:

ClinVar aggregate classification (germline): Uncertain significance. Review status: criteria provided, multiple submitters, no conflicts (2 of 4 stars). 2 submissions from 2 submitters: Uncertain significance (2). Last evaluated 2025-06-18.

Conditions:
Cardiovascular phenotype. Identifiers: MedGen CN230736.
Long QT syndrome (LQTS). Identifiers: MedGen C0023976, MeSH D008133, MONDO:0002442. Disease mechanism: loss of function. Inheritance: Various modes of inheritance.

Submissions (2):

Labcorp Genetics (formerly Invitae), Labcorp
Classification: Uncertain significance for Long QT syndrome. Last evaluated: 2025-06-18. Review status: criteria provided, single submitter. Criteria: Invitae Variant Classification Sherloc (09022015). Collection method: clinical testing. Allele origin: germline.
Comment: This sequence change replaces lysine, which is basic and polar, with glutamic acid, which is acidic and polar, at codon 1840 of the CACNA1C protein (p.Lys1840Glu). This variant is not present in population databases (gnomAD no frequency). This variant has not been reported in the literature in individuals affected with CACNA1C-related conditions. ClinVar contains an entry for this variant (Variation ID: 1748058). Invitae Evidence Modeling of protein sequence and biophysical properties (such as structural, functional, and spatial information, amino acid conservation, physicochemical variation, residue mobility, and thermodynamic stability) indicates that this missense variant is not expected to disrupt CACNA1C protein function with a negative predictive value of 95%. In summary, the available evidence is currently insufficient to determine the role of this variant in disease. Therefore, it has been classified as a Variant of Uncertain Significance.

Ambry Genetics
Classification: Uncertain significance for Cardiovascular phenotype. Last evaluated: 2020-01-06. Review status: criteria provided, single submitter. Criteria: Ambry Variant Classification Scheme 2023. Collection method: clinical testing. Allele origin: germline.
Comment: The p.K1840E variant (also known as c.5518A>G), located in coding exon 43 of the CACNA1C gene, results from an A to G substitution at nucleotide position 5518. The lysine at codon 1840 is replaced by glutamic acid, an amino acid with similar properties. This amino acid position is not well conserved in available vertebrate species. In addition, this alteration is predicted to be tolerated by in silico analysis. Since supporting evidence is limited at this time, the clinical significance of this alteration remains unclear.

NM_000719.7(CACNA1C):c.5518A>G (p.Lys1840Glu)

Genes: CACNA1C (calcium voltage-gated channel subunit alpha1 C; plus strand), CACNA1C-AS1 (CACNA1C antisense RNA 1; minus strand). Cytogenetic location: 12p13.33.
Variant type: single nucleotide variant.
Coding change: c.5518A>G on transcript NM_000719.7 (MANE Select); coding-DNA position 5518, A replaced by G.
Protein change: p.Lys1840Glu; replaces lysine 1840 with glutamic acid.
Molecular consequence: missense variant.
Genome position (GRCh38, 1-based): chr12:2,682,623, A>G. VCF-style: chr12-2682623-A-G. GRCh37 (hg19) VCF-style: chr12-2791789-A-G.
Other names: c.5662A>G, p.Lys1888Glu (NM_001129827.2); c.5641A>G, p.Lys1881Glu (NM_001129829.2); c.5623A>G, p.Lys1875Glu (NM_001129830.3, NM_001167624.3); c.5602A>G, p.Lys1868Glu (NM_001129831.2); c.5578A>G, p.Lys1860Glu (NM_001129832.2); c.5575A>G, p.Lys1859Glu (NM_001129833.2, NM_001129834.2, NM_001129835.2); c.5569A>G, p.Lys1857Glu (NM_001129836.2); c.5542A>G, p.Lys1848Glu (NM_001129837.2, NM_001129838.2); and 6 more; short protein forms K1848E, K1888E, K1857E, K1859E, K1868E, K1881E, K1837E, K1846E.
Identifiers: ClinVar variation 1748058 (VCV001748058.3), dbSNP rs199601269, ClinGen allele CA231613407.
Genomic context (GRCh38, chr12:2,682,623, plus strand): 5'-GAGAGCCAGGCAGCCATGGCGGGTCAGGAGGAGACGTCTCAGGATGAGACCTATGAAGTG[A>G]AGATGAACCATGACACGGAGGCCTGCAGTGAGCCCAGCCTGCTCTCCACAGAGATGTGAG-3'
Protein context (NP_000710.5, residues 1830-1850): ETSQDETYEV[Lys1840Glu]MNHDTEACSE